The following is an entry in ClinVar:

ClinVar aggregate classification (germline): Uncertain significance. Review status: criteria provided, single submitter (1 of 4 stars). 2 submissions from 2 submitters: Uncertain significance (1). 1 of the submissions does not count toward it. Last evaluated 2022-11-15.

Conditions:
Metachromatic leukodystrophy (MLD). Also called: ARSA DEFICIENCY; CEREBROSIDE SULFATASE DEFICIENCY; Arylsulfatase A Deficiency; METACHROMATIC LEUKOENCEPHALOPATHY; SULFATIDE LIPIDOSIS; Cerebral sclerosis diffuse metachromatic form. Identifiers: Orphanet 512, MedGen C0023522, MONDO:0018868, OMIM 250100.

Submissions (2):

Labcorp Genetics (formerly Invitae), Labcorp
Classification: Uncertain significance for Metachromatic leukodystrophy. Last evaluated: 2022-11-15. Review status: criteria provided, single submitter. Criteria: Invitae Variant Classification Sherloc (09022015). Collection method: clinical testing. Allele origin: germline.
Comment: In summary, the available evidence is currently insufficient to determine the role of this variant in disease. Therefore, it has been classified as a Variant of Uncertain Significance. Advanced modeling of protein sequence and biophysical properties (such as structural, functional, and spatial information, amino acid conservation, physicochemical variation, residue mobility, and thermodynamic stability) performed at Invitae indicates that this missense variant is expected to disrupt ARSA protein function. ClinVar contains an entry for this variant (Variation ID: 1436211). This variant has not been reported in the literature in individuals affected with ARSA-related conditions. This variant is not present in population databases (gnomAD no frequency). This sequence change replaces aspartic acid, which is acidic and polar, with asparagine, which is neutral and polar, at codon 52 of the ARSA protein (p.Asp52Asn).

Natera, Inc.
Classification: Uncertain significance for Metachromatic leukodystrophy. Last evaluated: 2025-05-20. Review status: no assertion criteria provided. Collection method: clinical testing. Allele origin: germline. Not counted in ClinVar's aggregate classification.

NM_000487.6(ARSA):c.154G>A (p.Asp52Asn)

Gene: ARSA (arylsulfatase A; minus strand). Cytogenetic location: 22q13.33.
Variant type: single nucleotide variant.
Coding change: c.154G>A on transcript NM_000487.6 (MANE Select); coding-DNA position 154, G replaced by A.
Protein change: p.Asp52Asn; replaces aspartic acid 52 with asparagine.
Molecular consequence: missense variant. On other transcripts: intron variant (2).
Genome position (GRCh38, 1-based): chr22:50,627,626, C>T on the plus strand (G>A on the coding strand, the complement: ARSA is on the minus strand). VCF-style: chr22-50627626-C-T. GRCh37 (hg19) VCF-style: chr22-51066054-C-T.
Other names: c.154G>A, p.Asp52Asn (NM_001085425.3, NM_001085426.3, NM_001085427.3); c.-34-220G>A (NM_001362782.2, NM_001085428.3); c.154G>A (NM_000487.5); short protein forms D52N.
Identifiers: ClinVar variation 1436211 (VCV001436211.9), dbSNP rs2146728012, ClinGen allele CA412182598.